The following is an entry in ClinVar:

NM_000587.4(C7):c.2188C>T (p.Gln730Ter)

Gene: C7 (complement C7; plus strand). Cytogenetic location: 5p13.1.
Variant type: single nucleotide variant.
Coding change: c.2188C>T on transcript NM_000587.4 (MANE Select); coding-DNA position 2188, C replaced by T.
Protein change: p.Gln730Ter; replaces glutamine 730 with a stop codon.
Molecular consequence: nonsense.
Genome position (GRCh38, 1-based): chr5:40,979,747, C>T. VCF-style: chr5-40979747-C-T. GRCh37 (hg19) VCF-style: chr5-40979849-C-T.
Other names: short protein forms Q730*.
Identifiers: ClinVar variation 1901592 (VCV001901592.5), dbSNP rs768866511, ClinGen allele CA3250237.

ClinVar aggregate classification (germline): Pathogenic (1 of 4 stars; one submission).

Allele frequency attached by ClinVar (database versions not stated): TOPMed below 0.00001; ExAC 0.00001; gnomAD exomes 0.00001.
gnomAD v4.1: 3 of 1,612,910 alleles (0.00019%); highest among the groups gnomAD compares: Non-Finnish European, 0.00025%; no homozygotes.

Submission:

Labcorp Genetics (formerly Invitae), Labcorp
Classification: Pathogenic. Last evaluated: 2023-10-22. Review status: criteria provided, single submitter. Criteria: Invitae Variant Classification Sherloc (09022015). Collection method: clinical testing. Allele origin: germline.
Comment: This sequence change creates a premature translational stop signal (p.Gln730*) in the C7 gene. It is expected to result in an absent or disrupted protein product. Loss-of-function variants in C7 are known to be pathogenic (PMID: 9856499, 17407100). This variant is present in population databases (rs768866511, gnomAD 0.002%). This variant has not been reported in the literature in individuals affected with C7-related conditions. ClinVar contains an entry for this variant (Variation ID: 1901592). Algorithms developed to predict the effect of sequence changes on RNA splicing suggest that this variant may disrupt the consensus splice site. For these reasons, this variant has been classified as Pathogenic.

Literature cited by the submitters: PubMed 9856499; PubMed 17407100.